The following is an entry in ClinVar:

NM_000543.5(SMPD1):c.338G>A (p.Arg113His)

Gene: SMPD1 (sphingomyelin phosphodiesterase 1; plus strand). Cytogenetic location: 11p15.4.
Variant type: single nucleotide variant.
Coding change: c.338G>A on transcript NM_000543.5 (MANE Select); coding-DNA position 338, G replaced by A.
Protein change: p.Arg113His; replaces arginine 113 with histidine.
Molecular consequence: missense variant. On other transcripts: 5 prime UTR variant (1), non-coding transcript variant (2).
Genome position (GRCh38, 1-based): chr11:6,391,403, G>A. VCF-style: chr11-6391403-G-A. GRCh37 (hg19) VCF-style: chr11-6412633-G-A.
Other names: p.Arg113His; c.335G>A, p.Arg112His (NM_001007593.3); c.338G>A, p.Arg113His (NM_001318087.2, NM_001365135.2); c.-624G>A (NM_001318088.2); short protein forms R113H, R112H.
Identifiers: ClinVar variation 593413 (VCV000593413.13), dbSNP rs149770879, ClinGen allele CA5852583.

ClinVar aggregate classification (germline): Conflicting classifications of pathogenicity. Review status: criteria provided, conflicting classifications (1 of 4 stars). 3 submissions from 3 submitters: Uncertain significance (2); Likely benign (1). Last evaluated 2026-01-31.

Conditions:
Niemann-Pick disease, type B. Also called: Chronic Visceral ASMD (Niemann-Pick Disease Type B; NPD-B). Identifiers: Orphanet 77293, MedGen C0268243, MONDO:0011871, OMIM 607616. Disease mechanism: loss of function.
Niemann-Pick disease, type A. Also called: SPHINGOMYELIN LIPIDOSIS; SPHINGOMYELINASE DEFICIENCY; Infantile Neurovisceral ASMD (Niemann-Pick Disease Type A; NPD-A). Identifiers: Orphanet 77292, MedGen C0268242, MONDO:0009756, OMIM 257200. Disease mechanism: loss of function.

Allele frequency attached by ClinVar (database versions not stated): gnomAD exomes 0.00003; TOPMed 0.00022; gnomAD 0.00029 and 0.00030; 1000 Genomes Project 0.00100; 1000 Genomes Project 30x 0.00125.
gnomAD v4.1: 91 of 1,611,632 alleles (0.0056%); highest among the groups gnomAD compares: African/African-American, 0.097%; no homozygotes.

Submissions (3):

Labcorp Genetics (formerly Invitae), Labcorp
Classification: Likely benign for Niemann-Pick disease, type B; Niemann-Pick disease, type A. Last evaluated: 2026-01-31. Review status: criteria provided, single submitter. Criteria: Invitae Variant Classification Sherloc (09022015). Collection method: clinical testing. Allele origin: germline.

Mayo Clinic Laboratories, Mayo Clinic
Classification: Uncertain significance. Last evaluated: 2024-12-19. Review status: criteria provided, single submitter. Criteria: ACMG Guidelines, 2015. Collection method: clinical testing. Allele origin: germline. Observed: 1 variant allele.
Comment: PM2_supporting

Eurofins Ntd Llc (ga)
Classification: Uncertain significance. Last evaluated: 2017-07-25. Review status: criteria provided, single submitter. Criteria: EGL Classification Definitions 2015. Collection method: clinical testing. Allele origin: germline. Observed: 2 variant alleles, 2 heterozygotes.